The following is an entry in ClinVar:

ClinVar aggregate classification (germline): Likely benign (1 of 4 stars; one submission).

Allele frequency attached by ClinVar (database versions not stated): gnomAD 0.00014; ExAC 0.00018; 1000 Genomes Project 0.00220.

Submission:

CeGaT Center for Human Genetics Tuebingen
Classification: Likely benign. Last evaluated: 2022-05-01. Review status: criteria provided, single submitter. Criteria: CeGaT Center For Human Genetics Tuebingen Variant Classification Criteria Version 2. Collection method: clinical testing. Allele origin: germline. Affected: yes. Observed: 1 variant allele.
Comment: MUC4: BP4, BP7

NM_018406.7(MUC4):c.12126C>T (p.Ser4042=)

Genes: MUC4 (mucin 4, cell surface associated), LOC126806930 (BRD4-independent group 4 enhancer GRCh37_chr3:195505212-195506411). Cytogenetic location: 3q29.
Variant type: single nucleotide variant.
Coding change: c.12126C>T on transcript NM_018406.7 (MANE Select); coding-DNA position 12126, C replaced by T.
Protein change: p.Ser4042=; no amino-acid change (serine 4042 retained).
Molecular consequence: synonymous variant. On other transcripts: genic upstream transcript variant (2).
Genome position (GRCh38, 1-based): chr3:195,779,454, G>A on the plus strand (C>T on the coding strand, the complement: MUC4 is on the minus strand). VCF-style: chr3-195779454-G-A. GRCh37 (hg19) VCF-style: chr3-195506325-G-A.
Other names: c.17424C>T, p.Ser5808= (NM_001322468.1); c.83-5149C>T (NM_138297.5); c.83-999C>T (NM_004532.6).
Identifiers: ClinVar variation 2654388 (VCV002654388.24), dbSNP rs529024828, ClinGen allele CA2768996.